The following is an entry in ClinVar:

NM_001040458.3(ERAP1):c.2447+97C>T

Gene: ERAP1 (endoplasmic reticulum aminopeptidase 1; minus strand). Cytogenetic location: 5q15.
Variant type: single nucleotide variant.
Coding change: c.2447+97C>T on transcript NM_001040458.3 (MANE Select); 97 bases into the intron after coding-DNA position 2447, C replaced by T.
Molecular consequence: intron variant.
Genome position (GRCh38, 1-based): chr5:96,781,596, G>A on the plus strand (C>T on the coding strand, the complement: ERAP1 is on the minus strand). VCF-style: chr5-96781596-G-A. GRCh37 (hg19) VCF-style: chr5-96117300-G-A.
Other names: c.2447+97C>T (NM_001349244.2, NM_016442.5, NM_001198541.3).
Identifiers: ClinVar variation 2688540 (VCV002688540.2), dbSNP rs27043, ClinGen allele CA15363597.

ClinVar aggregate classification (germline): Benign (1 of 4 stars; one submission).

Allele frequency attached by ClinVar (database versions not stated): 1000 Genomes Project 0.73962; 1000 Genomes Project 30x 0.74204; TOPMed 0.78544; gnomAD 0.79466; gnomAD exomes 0.83253.
gnomAD v4.1: 1,235,469 of 1,491,934 alleles (83%); highest among the groups gnomAD compares: Non-Finnish European, 85%; 514,805 homozygotes.

Submission:

Unidad de Genómica Garrahan, Hospital de Pediatría Garrahan
Classification: Benign. Last evaluated: 2024-01-24. Review status: criteria provided, single submitter. Criteria: ACMG Guidelines, 2015. Collection method: clinical testing. Allele origin: germline. Affected: no. Observed: 75 variant alleles.
Comment: This variant is classified as Benign based on local population frequency. This variant was detected in 85% of patients studied by a panel of primary immunodeficiencies. Number of patients: 75. Only high quality variants are reported.